The following is an entry in ClinVar:

NM_001083614.2(EARS2):c.322C>T (p.Arg108Trp)

Gene: EARS2 (glutamyl-tRNA synthetase 2, mitochondrial; minus strand). Cytogenetic location: 16p12.2.
Variant type: single nucleotide variant.
Coding change: c.322C>T on transcript NM_001083614.2 (MANE Select); coding-DNA position 322, C replaced by T.
Protein change: p.Arg108Trp; replaces arginine 108 with tryptophan.
Molecular consequence: missense variant. On other transcripts: non-coding transcript variant (1).
Genome position (GRCh38, 1-based): chr16:23,544,677, G>A on the plus strand (C>T on the coding strand, the complement: EARS2 is on the minus strand). VCF-style: chr16-23544677-G-A. GRCh37 (hg19) VCF-style: chr16-23555998-G-A.
Other names: c.322C>T, p.Arg108Trp (NM_001308211.1); short protein forms R108W.
Identifiers: ClinVar variation 39787 (VCV000039787.29), dbSNP rs376103091, ClinGen allele CA130557.

ClinVar aggregate classification (germline): Pathogenic/Likely pathogenic. Review status: criteria provided, multiple submitters, no conflicts (2 of 4 stars). 17 submissions from 17 submitters: Pathogenic (13); Likely pathogenic (3). 1 of the submissions does not count toward it. Last evaluated 2025-10-30.

Conditions:
EARS2-associated disorder.
EARS2-related disorder. Also called: EARS2-related disorders; EARS2-related condition.
Inborn genetic diseases. Identifiers: MedGen C0950123, MeSH D030342.
Leukoencephalopathy-thalamus and brainstem anomalies-high lactate syndrome. Also called: LEUKOENCEPHALOPATHY WITH THALAMUS AND BRAINSTEM INVOLVEMENT AND HIGH LACTATE; Combined oxidative phosphorylation deficiency 12. Identifiers: Orphanet 314051, MedGen C4706421, MONDO:0013971, OMIM 614924.
Prominent forehead. Identifiers: MedGen C1837260, HP:0011220.
High palate. Identifiers: MedGen C0240635, HP:0000218.
Abnormal facial shape. Also called: Dysmorphic facies; Dysmorphic facial features. Identifiers: MedGen C0424503, HP:0001999.
Abnormal pinna morphology. Also called: Bilateral external ear deformity; Abnormality of the pinna. Identifiers: MedGen C0857379, HP:0000377.
Motor delay. Also called: Motor retardation; Motor Developmental Delay. Identifiers: MedGen C1854301, HP:0001270.
Bilateral tonic-clonic seizure. Also called: Generalized tonic-clonic seizures. Identifiers: MedGen C0494475, HP:0002069.
Seizure. Also called: Seizures. Identifiers: MedGen C0036572, HP:0001250.
Global developmental delay (DD). Also called: Cognitive delay. Identifiers: MedGen C0557874, HP:0001263. Disease mechanism: loss of function.
Limb tremor. Identifiers: MedGen C0235081, HP:0200085.

Allele frequency attached by ClinVar (database versions not stated): gnomAD exomes 0.00015; TOPMed 0.00017; gnomAD 0.00019 and 0.00020; ExAC 0.00025; ESP Exome Variant Server 0.00033.
gnomAD v4.1: 235 of 1,606,474 alleles (0.015%); highest among the groups gnomAD compares: African/African-American, 0.019%; no homozygotes.

Submissions 1 to 9 of 17:

Institute of Human Genetics Munich, TUM University Hospital
Classification: Likely pathogenic for EARS2-associated disorder. Last evaluated: 2025-10-30. Review status: criteria provided, single submitter. Criteria: Classification criteria August 2017. Collection method: clinical testing. Allele origin: inherited. Inheritance: Autosomal recessive inheritance. Affected: yes. Observed: 1 variant allele.

Mayo Clinic Laboratories, Mayo Clinic
Classification: Pathogenic. Last evaluated: 2025-09-04. Review status: criteria provided, single submitter. Criteria: ACMG Guidelines, 2015. Collection method: clinical testing. Allele origin: germline. Observed: 1 variant allele.
Comment: BP4, PM2_supporting, PM3_very_strong, PS4_moderate

Dasa
Classification: Pathogenic. Last evaluated: 2025-08-22. Review status: criteria provided, single submitter. Criteria: DASA Assertion Criteria. Collection method: clinical testing. Allele origin: germline.
Comment: NM_001083614.2(EARS2):c.322C>T (p.Arg108Trp) is a missense variant that results in the substitution of arginine with tryptophan. This variant has been observed in affected individuals with related phenotype in a genotype context consistent with recessive disease (PMID: 22492562; PMID: 33855712). Functional evidence supports a deleterious effect on the gene or gene product (PMID: 22492562; PMID: 33855712). This variant has been recurrently observed in individuals with related phenotype (PMID: 22492562; PMID: 33855712). The variant is present at low frequency in population datasets. Based on the available data, this variant is classified as pathogenic.

Rady Children's Institute for Genomic Medicine, Rady Children's Hospital San Diego
Classification: Likely pathogenic for Combined oxidative phosphorylation deficiency 12. Last evaluated: 2025-02-18. Review status: criteria provided, single submitter. Criteria: ACMG Guidelines, 2015. Collection method: clinical testing. Allele origin: germline. Affected: yes.
Comment: Missense variation is an established mechanism of disease for EARS2-related disorders (PMID: 39173847). The c.322C>T (p.Arg108Trp) variant affects a moderately conserved amino acid; however, in silico analyses predict a benign effect on protein function. This variant has been previously reported as a compound heterozygous or homozygous change in multiple patients with variable presentations of combined oxidative phosphorylation deficiency 12 (PMID: 22492562, 31520968, 26893310, 25058219, 34440436, 33972171, 37975900, 38523675). Functional studies indicate this variant may lead to reduced mitochondrial respiration (PMID: 37975900). The c.322C>T (p.Arg108Trp) variant is present in the latest version of the gnomAD population database at an allele frequency of 0.01% (235/1606474). Based on the available evidence, c.322C>T (p.Arg108Trp) is classified as Likely Pathogenic.

Blueprint Genetics
Classification: Pathogenic for EARS2-related disorders. Last evaluated: 2024-11-20. Review status: criteria provided, single submitter. Criteria: ACMG Guidelines, 2015. Collection method: clinical testing. Allele origin: de novo. Affected: yes. Observed: 5 variant alleles.

Labcorp Genetics (formerly Invitae), Labcorp
Classification: Pathogenic. Last evaluated: 2024-10-08. Review status: criteria provided, single submitter. Criteria: Invitae Variant Classification Sherloc (09022015). Collection method: clinical testing. Allele origin: germline.
Comment: This sequence change replaces arginine, which is basic and polar, with tryptophan, which is neutral and slightly polar, at codon 108 of the EARS2 protein (p.Arg108Trp). This variant is present in population databases (rs376103091, gnomAD 0.03%). This missense change has been observed in individual(s) with combined oxidative phosphorylation deficiency (PMID: 22492562, 26893310). In at least one individual the data is consistent with being in trans (on the opposite chromosome) from a pathogenic variant. ClinVar contains an entry for this variant (Variation ID: 39787). Invitae Evidence Modeling of protein sequence and biophysical properties (such as structural, functional, and spatial information, amino acid conservation, physicochemical variation, residue mobility, and thermodynamic stability) indicates that this missense variant is expected to disrupt EARS2 protein function with a positive predictive value of 95%. For these reasons, this variant has been classified as Pathogenic.

Women's Health and Genetics/Laboratory Corporation of America, LabCorp
Classification: Pathogenic for Leukoencephalopathy-thalamus and brainstem anomalies-high lactate syndrome. Last evaluated: 2023-12-20. Review status: criteria provided, single submitter. Criteria: LabCorp Variant Classification Summary - May 2015. Collection method: clinical testing. Allele origin: germline.
Comment: Variant summary: EARS2 c.322C>T (p.Arg108Trp) results in a non-conservative amino acid change located in the glutamyl/glutaminyl-tRNA synthetase, class Ib, catalytic domain (IPR020058) of the encoded protein sequence. Three of five in-silico tools predict a damaging effect of the variant on protein function. The variant allele was found at a frequency of 0.00015 in 231208 control chromosomes. c.322C>T has been reported in the literature in multiple individuals affected with and/or with clinical features of Leukoencephalopathy-Thalamus And Brainstem Anomalies-High Lactate Syndrome (e.g. Steenweg_2012, Taylor_2014). These data indicate that the variant is very likely to be associated with disease. To our knowledge, no experimental evidence demonstrating an impact on protein function has been reported. The following publications have been ascertained in the context of this evaluation (PMID: 22492562, 25058219). Ten submitters have cited clinical-significance assessments for this variant to ClinVar after 2014. All submitters classified the variant as pathogenic/likely pathogenic. Based on the evidence outlined above, the variant was classified as pathogenic.

Neuberg Centre For Genomic Medicine, NCGM
Classification: Pathogenic for Leukoencephalopathy-thalamus and brainstem anomalies-high lactate syndrome. Last evaluated: 2023-02-14. Review status: criteria provided, single submitter. Criteria: ACMG Guidelines, 2015. Collection method: clinical testing. Allele origin: germline. Inheritance: Autosomal recessive inheritance. Affected: yes.
Comment: The missense variant c.322C>T (p.Arg108Trp) in the EARS2 gene has been reported previously in heterozygous and compound heterozygous state in individuals affected with Leukoencephalopathy. It is located in a mutational hot spot and/or well-established functional domain in which established pathogenic variants have been reported (Steenweg et al., 2012; Taskin et al., 2016) Missense changes are a common disease-causing mechanism. This variant is reported with the allele frequency (0.01%) in the gnomAD and novel (not in any individuals) in the 1000 genome database. It is submitted to ClinVar with varying interpretations as Likely Pathogenic/ Pathogenic (Multiple Submissions). The amino acid Arginine at position 108 is changed to a Tryptophan changing protein sequence and it might alter its composition and physico-chemical properties. The variant is predicted as damaging by SIFT. The amino acid change p.Arg108Trp in EARS2 is predicted as conserved by GERP++ and PhyloP across 100 vertebrates. For these reasons, this variant has been classified as Pathogenic.

Center for Personalized Medicine, Children's Hospital Los Angeles
Classification: Pathogenic. Last evaluated: 2022-12-21. Review status: criteria provided, single submitter. Criteria: ACMG Guidelines, 2015. Collection method: clinical testing. Allele origin: unknown. Affected: yes.